The following is an entry in ClinVar:

NM_003846.3(PEX11B):c.387T>G (p.Phe129Leu)

Gene: PEX11B (peroxisomal biogenesis factor 11 beta; minus strand). Cytogenetic location: 1q21.1.
Variant type: single nucleotide variant.
Coding change: c.387T>G on transcript NM_003846.3 (MANE Select); coding-DNA position 387, T replaced by G.
Protein change: p.Phe129Leu; replaces phenylalanine 129 with leucine.
Molecular consequence: missense variant. On other transcripts: non-coding transcript variant (3).
Genome position (GRCh38, 1-based): chr1:145,912,554, A>C on the plus strand (T>G on the coding strand, the complement: PEX11B is on the minus strand). VCF-style: chr1-145912554-A-C. GRCh37 (hg19) VCF-style: chr1-145522526-T-G.
Other names: c.345T>G, p.Phe115Leu (NM_001184795.1); short protein forms F129L, F115L.
Identifiers: ClinVar variation 501856 (VCV000501856.9), dbSNP rs1553753337, ClinGen allele CA342121939.

ClinVar aggregate classification (germline): Uncertain significance. Review status: criteria provided, multiple submitters, no conflicts (2 of 4 stars). 2 submissions from 2 submitters: Uncertain significance (2). Last evaluated 2022-03-27.

Submissions (2):

Labcorp Genetics (formerly Invitae), Labcorp
Classification: Uncertain significance. Last evaluated: 2022-03-27. Review status: criteria provided, single submitter. Criteria: Invitae Variant Classification Sherloc (09022015). Collection method: clinical testing. Allele origin: germline.
Comment: In summary, the available evidence is currently insufficient to determine the role of this variant in disease. Therefore, it has been classified as a Variant of Uncertain Significance. Algorithms developed to predict the effect of missense changes on protein structure and function are either unavailable or do not agree on the potential impact of this missense change (SIFT: "Deleterious"; PolyPhen-2: "Benign"; Align-GVGD: "Class C0"). ClinVar contains an entry for this variant (Variation ID: 501856). This variant has not been reported in the literature in individuals affected with PEX11B-related conditions. This variant is not present in population databases (gnomAD no frequency). This sequence change replaces phenylalanine, which is neutral and non-polar, with leucine, which is neutral and non-polar, at codon 129 of the PEX11B protein (p.Phe129Leu).

Eurofins Ntd Llc (ga)
Classification: Uncertain significance. Last evaluated: 2017-05-02. Review status: criteria provided, single submitter. Criteria: EGL Classification Definitions 2015. Collection method: clinical testing. Allele origin: germline. Observed: 1 variant allele, 1 heterozygote.